The following is an entry in ClinVar:

ClinVar aggregate classification (germline): Conflicting classifications of pathogenicity. Review status: criteria provided, conflicting classifications (1 of 4 stars). 2 submissions from 2 submitters: Uncertain significance (1); Likely benign (1). Last evaluated 2025-10-26.

Conditions:
Oligodontia-cancer predisposition syndrome. Also called: TOOTH AGENESIS-COLORECTAL CANCER SYNDROME. Identifiers: Orphanet 300576, MedGen C1837750, MONDO:0012075, OMIM 608615. Disease mechanism: loss of function.
Hereditary cancer-predisposing syndrome. Also called: Hereditary Cancer Syndrome; Hereditary neoplastic syndrome; Tumor predisposition; Neoplastic Syndromes, Hereditary. Identifiers: Orphanet 140162, MedGen C0027672, MeSH D009386, MONDO:0015356.

Allele frequency attached by ClinVar (database versions not stated): TOPMed below 0.00001; ExAC 0.00001; gnomAD 0.00001; gnomAD exomes 0.00001.

Submissions (2):

Labcorp Genetics (formerly Invitae), Labcorp
Classification: Uncertain significance for Oligodontia-cancer predisposition syndrome. Last evaluated: 2025-10-26. Review status: criteria provided, single submitter. Criteria: Invitae Variant Classification Sherloc (09022015). Collection method: clinical testing. Allele origin: germline.
Comment: This sequence change replaces glutamine, which is neutral and polar, with arginine, which is basic and polar, at codon 397 of the AXIN2 protein (p.Gln397Arg). This variant is present in population databases (rs774887154, gnomAD 0.01%). This variant has not been reported in the literature in individuals affected with AXIN2-related conditions. ClinVar contains an entry for this variant (Variation ID: 841979). Invitae Evidence Modeling of protein sequence and biophysical properties (such as structural, functional, and spatial information, amino acid conservation, physicochemical variation, residue mobility, and thermodynamic stability) indicates that this missense variant is not expected to disrupt AXIN2 protein function with a negative predictive value of 80%. In summary, the available evidence is currently insufficient to determine the role of this variant in disease. Therefore, it has been classified as a Variant of Uncertain Significance.

Ambry Genetics
Classification: Likely benign for Hereditary cancer-predisposing syndrome. Last evaluated: 2024-02-28. Review status: criteria provided, single submitter. Criteria: Ambry Variant Classification Scheme 2023. Collection method: clinical testing. Allele origin: germline.

NM_004655.4(AXIN2):c.1190A>G (p.Gln397Arg)

Gene: AXIN2 (axin 2; minus strand). Cytogenetic location: 17q24.1.
Variant type: single nucleotide variant.
Coding change: c.1190A>G on transcript NM_004655.4 (MANE Select); coding-DNA position 1190, A replaced by G.
Protein change: p.Gln397Arg; replaces glutamine 397 with arginine.
Molecular consequence: missense variant.
Genome position (GRCh38, 1-based): chr17:65,538,213, T>C on the plus strand (A>G on the coding strand, the complement: AXIN2 is on the minus strand). VCF-style: chr17-65538213-T-C. GRCh37 (hg19) VCF-style: chr17-63534331-T-C.
Other names: c.1190A>G, p.Gln397Arg (NM_001363813.1); short protein forms Q397R.
Identifiers: ClinVar variation 841979 (VCV000841979.10), dbSNP rs774887154, ClinGen allele CA8718838.